The following is an entry in ClinVar:

NM_003998.4(NFKB1):c.607C>T (p.Gln203Ter)

Gene: NFKB1 (nuclear factor kappa B subunit 1; plus strand). Cytogenetic location: 4q24.
Variant type: single nucleotide variant.
Coding change: c.607C>T on transcript NM_003998.4 (MANE Select); coding-DNA position 607, C replaced by T.
Protein change: p.Gln203Ter; replaces glutamine 203 with a stop codon.
Molecular consequence: nonsense.
Genome position (GRCh38, 1-based): chr4:102,578,916, C>T. VCF-style: chr4-102578916-C-T. GRCh37 (hg19) VCF-style: chr4-103500073-C-T.
Other names: c.604C>T, p.Gln202Ter (NM_001165412.2, NM_001319226.2, NM_001382627.1); c.607C>T, p.Gln203Ter (NM_001382625.1, NM_001382626.1); c.565C>T, p.Gln189Ter (NM_001382628.1); short protein forms Q203*, Q189*, Q202*.
Identifiers: ClinVar variation 3677035 (VCV003677035.2).

ClinVar aggregate classification (germline): Pathogenic (1 of 4 stars; one submission).

Submission:

Labcorp Genetics (formerly Invitae), Labcorp
Classification: Pathogenic. Last evaluated: 2024-09-02. Review status: criteria provided, single submitter. Criteria: Invitae Variant Classification Sherloc (09022015). Collection method: clinical testing. Allele origin: germline.
Comment: This sequence change creates a premature translational stop signal (p.Gln203*) in the NFKB1 gene. It is expected to result in an absent or disrupted protein product. Loss-of-function variants in NFKB1 are known to be pathogenic (PMID: 26279205, 29477724). This variant is not present in population databases (gnomAD no frequency). This premature translational stop signal has been observed in individual(s) with immunodeficiency (PMID: 32278790). Algorithms developed to predict the effect of sequence changes on RNA splicing suggest that this variant may disrupt the consensus splice site. For these reasons, this variant has been classified as Pathogenic.

Literature cited by the submitters: PubMed 26279205; PubMed 29477724; PubMed 32278790.